The following is an entry in ClinVar:

ClinVar aggregate classification (germline): Uncertain significance. Review status: criteria provided, single submitter (1 of 4 stars). 2 submissions from 2 submitters: Uncertain significance (1). 1 of the submissions does not count toward it. Last evaluated 2023-10-25.

Allele frequency attached by ClinVar (database versions not stated): gnomAD 0.00002; ExAC 0.00003; gnomAD exomes 0.00003 and 0.00004; TOPMed 0.00003.
gnomAD v4.1: 47 of 1,611,422 alleles (0.0029%); highest among the groups gnomAD compares: East Asian, 0.011%; no homozygotes.

Submissions (2):

Ambry Genetics
Classification: Uncertain significance. Last evaluated: 2023-10-25. Review status: criteria provided, single submitter. Criteria: Ambry Variant Classification Scheme 2023. Collection method: clinical testing. Allele origin: germline.

Department of Pathology and Laboratory Medicine, Sinai Health System
Classification: Uncertain significance. Review status: no assertion criteria provided. Collection method: clinical testing. Allele origin: unknown. Affected: yes. Study: The Canadian Open Genetics Repository (COGR). Not counted in ClinVar's aggregate classification.
Comment: The SLC11A1 p.Arg271Trp variant was not identified in the literature nor was it identified in ClinVar or LOVD 3.0. The variant was identified in dbSNP (ID: rs765411619) and Cosmic (FATHMM prediction of pathogenic; score 0.89). The variant was also identified in control databases in 10 of 280082 chromosomes at a frequency of 0.000036 (Genome Aggregation Database Feb 27, 2017) and was observed in the following populations: East Asian in 6 of 19890 chromosomes (freq: 0.000302) and European (non-Finnish) in 4 of 127664 chromosomes (freq: 0.000031), while the variant was not observed in the African, Latino, Ashkenazi Jewish, European (Finnish), Other and South Asian populations. The variant occurs outside of the splicing consensus sequence and 3 of 4 in silico or computational prediction software programs (SpliceSiteFinder, NNSPLICE, GeneSplicer) do not predict a difference in splicing. The p.Arg271 residue is conserved across mammals and other organisms, and four out of five computational analyses (PolyPhen-2, SIFT, BLOSUM, MutationTaster) suggest that the R variant may impact the protein; however, this information is not predictive enough to assume pathogenicity. In summary, based on the above information the clinical significance of this variant cannot be determined with certainty at this time. This variant is classified as a variant of uncertain significance.

NM_000578.4(SLC11A1):c.811C>T (p.Arg271Trp)

Gene: SLC11A1 (solute carrier family 11 member 1; plus strand). Cytogenetic location: 2q35.
Variant type: single nucleotide variant.
Coding change: c.811C>T on transcript NM_000578.4 (MANE Select); coding-DNA position 811, C replaced by T.
Protein change: p.Arg271Trp; replaces arginine 271 with tryptophan.
Molecular consequence: missense variant.
Genome position (GRCh38, 1-based): chr2:218,389,885, C>T. VCF-style: chr2-218389885-C-T. GRCh37 (hg19) VCF-style: chr2-219254608-C-T.
Other names: c.811C>T (NM_000578.3); short protein forms R271W.
Identifiers: ClinVar variation 1049687 (VCV001049687.2), dbSNP rs765411619, ClinGen allele CA2105085.